The following is an entry in ClinVar:

ClinVar aggregate classification (germline): Uncertain significance (1 of 4 stars; one submission).

Conditions:
Hereditary cancer-predisposing syndrome. Also called: Hereditary neoplastic syndrome; Tumor predisposition; Neoplastic Syndromes, Hereditary; Hereditary Cancer Syndrome. Identifiers: Orphanet 140162, MedGen C0027672, MeSH D009386, MONDO:0015356.

Submission:

Labcorp Genetics (formerly Invitae), Labcorp
Classification: Uncertain significance for Hereditary cancer-predisposing syndrome. Last evaluated: 2018-08-29. Review status: criteria provided, single submitter. Criteria: Invitae Variant Classification Sherloc (09022015). Collection method: clinical testing. Allele origin: germline.
Comment: This sequence change replaces methionine with leucine at codon 1188 of the RAD50 protein (p.Met1188Leu). The methionine residue is moderately conserved and there is a small physicochemical difference between methionine and leucine. This variant is not present in population databases (ExAC no frequency). This variant has not been reported in the literature in individuals with RAD50-related disease. Algorithms developed to predict the effect of missense changes on protein structure and function are either unavailable or do not agree on the potential impact of this missense change (SIFT: "Tolerated"; PolyPhen-2: "Probably Damaging"; Align-GVGD: "Class C0"). In summary, the available evidence is currently insufficient to determine the role of this variant in disease. Therefore, it has been classified as a Variant of Uncertain Significance.

NM_005732.4(RAD50):c.3562A>C (p.Met1188Leu)

Genes: RAD50 (RAD50 double strand break repair protein; plus strand), TH2-LCR (Th2 cytokine locus control region; plus strand), TH2LCRR (T helper type 2 locus control region associated RNA; minus strand). Cytogenetic location: 5q31.1.
Variant type: single nucleotide variant.
Coding change: c.3562A>C on transcript NM_005732.4 (MANE Select); coding-DNA position 3562, A replaced by C.
Protein change: p.Met1188Leu; replaces methionine 1188 with leucine.
Molecular consequence: missense variant. On other transcripts: non-coding transcript variant (3).
Genome position (GRCh38, 1-based): chr5:132,638,167, A>C. VCF-style: chr5-132638167-A-C. GRCh37 (hg19) VCF-style: chr5-131973859-A-C.
Other names: short protein forms M1188L.
Identifiers: ClinVar variation 656492 (VCV000656492.9), dbSNP rs1581021189, ClinGen allele CA360932051.